The following is an entry in ClinVar:

NM_001032283.3(TMPO):c.565+1798T>C

Gene: TMPO (thymopoietin; plus strand). Cytogenetic location: 12q23.1.
Variant type: single nucleotide variant.
Coding change: c.565+1798T>C on transcript NM_001032283.3 (MANE Select); 1798 bases into the intron after coding-DNA position 565, T replaced by C.
Molecular consequence: intron variant. On other transcripts: missense variant (1).
Genome position (GRCh38, 1-based): chr12:98,533,636, T>C. VCF-style: chr12-98533636-T-C. GRCh37 (hg19) VCF-style: chr12-98927414-T-C.
Other names: c.1379T>C, p.Phe460Ser (NM_003276.2); c.565+1798T>C (NM_001307975.2, NM_001032284.3); short protein forms F460S.
Identifiers: ClinVar variation 2496854 (VCV002496854.3), dbSNP rs749447424, ClinGen allele CA6732411.

ClinVar aggregate classification (germline): Uncertain significance (1 of 4 stars; one submission).

Allele frequency attached by ClinVar (database versions not stated): gnomAD exomes below 0.00001; TOPMed below 0.00001; ExAC 0.00001; gnomAD 0.00001.
gnomAD v4.1: 2 of 1,614,106 alleles (0.00012%); highest among the groups gnomAD compares: African/African-American, 0.0027%; no homozygotes.

Submission:

Ambry Genetics
Classification: Uncertain significance. Last evaluated: 2025-07-30. Review status: criteria provided, single submitter. Criteria: Ambry Variant Classification Scheme 2023. Collection method: clinical testing. Allele origin: germline.
Comment: The p.F460S variant (also known as c.1379T>C), located in coding exon 4 of the TMPO gene, results from a T to C substitution at nucleotide position 1379. The phenylalanine at codon 460 is replaced by serine, an amino acid with highly dissimilar properties. This amino acid position is conserved. In addition, this alteration is predicted to be tolerated by in silico analysis. Since supporting evidence is limited at this time, the clinical significance of this alteration remains unclear.